The following is an entry in ClinVar:

ClinVar aggregate classification (germline): Uncertain significance. Review status: criteria provided, multiple submitters, no conflicts (2 of 4 stars). 4 submissions from 4 submitters: Uncertain significance (4). Last evaluated 2026-01-16.

Conditions:
Hereditary cancer-predisposing syndrome. Also called: Hereditary neoplastic syndrome; Neoplastic Syndromes, Hereditary; Tumor predisposition; Hereditary Cancer Syndrome. Identifiers: Orphanet 140162, MedGen C0027672, MeSH D009386, MONDO:0015356.
Ataxia-telangiectasia syndrome (AT). Also called: Ataxia-telangiectasia, complementation group D; AT, COMPLEMENTATION GROUP C; ATAXIA-TELANGIECTASIA, COMPLEMENTATION GROUP A; ATAXIA-TELANGIECTASIA, FRESNO VARIANT; Ataxia-telangiectasia; Cerebello-oculocutaneous telangiectasia. Identifiers: Orphanet 100, MedGen C0004135, MONDO:0008840, OMIM 208900.
Familial cancer of breast. Also called: hereditary breast carcinoma; BREAST CANCER, FAMILIAL; Hereditary breast cancer. Identifiers: Orphanet 227535, MedGen C0346153, MONDO:0016419, OMIM 114480. Disease mechanism: loss of function.

Allele frequency attached by ClinVar (database versions not stated): gnomAD exomes 0.00001 and 0.00002.
gnomAD v4.1: 8 of 1,613,614 alleles (0.0005%); highest among the groups gnomAD compares: South Asian, 0.0077%; no homozygotes.

Submissions (4):

Labcorp Genetics (formerly Invitae), Labcorp
Classification: Uncertain significance for Ataxia-telangiectasia syndrome. Last evaluated: 2026-01-16. Review status: criteria provided, single submitter. Criteria: Invitae Variant Classification Sherloc (09022015). Collection method: clinical testing. Allele origin: germline.
Comment: This sequence change replaces tyrosine, which is neutral and polar, with cysteine, which is neutral and slightly polar, at codon 103 of the ATM protein (p.Tyr103Cys). This variant is present in population databases (no rsID available, gnomAD 0.01%). This variant has not been reported in the literature in individuals affected with ATM-related conditions. ClinVar contains an entry for this variant (Variation ID: 1008339). Invitae Evidence Modeling of protein sequence and biophysical properties (such as structural, functional, and spatial information, amino acid conservation, physicochemical variation, residue mobility, and thermodynamic stability) indicates that this missense variant is not expected to disrupt ATM protein function with a negative predictive value of 95%. In summary, the available evidence is currently insufficient to determine the role of this variant in disease. Therefore, it has been classified as a Variant of Uncertain Significance.

Molecular Pathology, Peter Maccallum Cancer Centre
Classification: Uncertain significance for Ataxia-telangiectasia syndrome. Last evaluated: 2025-03-27. Review status: criteria provided, single submitter. Criteria: ACMG Guidelines, 2015. Collection method: clinical testing. Allele origin: germline. Inheritance: Autosomal recessive inheritance.

Ambry Genetics
Classification: Uncertain significance for Hereditary cancer-predisposing syndrome. Last evaluated: 2023-12-14. Review status: criteria provided, single submitter. Criteria: Ambry Variant Classification Scheme 2023. Collection method: clinical testing. Allele origin: germline.
Comment: The p.Y103C variant (also known as c.308A>G), located in coding exon 3 of the ATM gene, results from an A to G substitution at nucleotide position 308. The tyrosine at codon 103 is replaced by cysteine, an amino acid with highly dissimilar properties. This amino acid position is not well conserved in available vertebrate species. In addition, the in silico prediction for this alteration is inconclusive. Since supporting evidence is limited at this time, the clinical significance of this alteration remains unclear.

Department of Pathology and Laboratory Medicine, Sinai Health System
Classification: Uncertain significance for Familial cancer of breast. Last evaluated: 2023-03-15. Review status: criteria provided, single submitter. Criteria: ACMG Guidelines, 2015. Collection method: clinical testing. Allele origin: germline. Affected: yes.

NM_000051.4(ATM):c.308A>G (p.Tyr103Cys)

Gene: ATM (ATM serine/threonine kinase; plus strand). Cytogenetic location: 11q22.3.
Variant type: single nucleotide variant.
Coding change: c.308A>G on transcript NM_000051.4 (MANE Select); coding-DNA position 308, A replaced by G.
Protein change: p.Tyr103Cys; replaces tyrosine 103 with cysteine.
Molecular consequence: missense variant.
Genome position (GRCh38, 1-based): chr11:108,229,300, A>G. VCF-style: chr11-108229300-A-G. GRCh37 (hg19) VCF-style: chr11-108100027-A-G.
Other names: c.308A>G (NM_000051.2); c.308A>G, p.Tyr103Cys (NM_001351834.2, NM_001351835.2, NM_001351836.2); short protein forms Y103C.
Identifiers: ClinVar variation 1008339 (VCV001008339.8), dbSNP rs1249361503, ClinGen allele CA382521756.